The following is an entry in ClinVar:

NM_001374736.1(DST):c.11950G>A (p.Glu3984Lys)

Gene: DST (dystonin; minus strand). Cytogenetic location: 6p12.1.
Variant type: single nucleotide variant.
Coding change: c.11950G>A on transcript NM_001374736.1 (MANE Select); coding-DNA position 11950, G replaced by A.
Protein change: p.Glu3984Lys; replaces glutamic acid 3984 with lysine.
Molecular consequence: missense variant.
Genome position (GRCh38, 1-based): chr6:56,597,985, C>T on the plus strand (G>A on the coding strand, the complement: DST is on the minus strand). VCF-style: chr6-56597985-C-T. GRCh37 (hg19) VCF-style: chr6-56462783-C-T.
Other names: c.5593G>A, p.Glu1865Lys (NM_001144769.5); c.5179G>A, p.Glu1727Lys (NM_001144770.2); c.11950G>A, p.Glu3984Lys (NM_001374722.1); c.11317G>A, p.Glu3773Lys (NM_001374729.1); c.5059G>A, p.Glu1687Lys (NM_001374730.1, NM_183380.4); c.11977G>A, p.Glu3993Lys (NM_001374734.1); c.4081G>A, p.Glu1361Lys (NM_015548.5); short protein forms E1687K, E3984K, E3773K, E1361K, E1865K, E1727K, E3993K.
Identifiers: ClinVar variation 971779 (VCV000971779.6), dbSNP rs753208447, ClinGen allele CA3868545.
Genomic context (GRCh38, chr6:56,597,985, plus strand): 5'-AGTCTTTGTCAACATTTGACAACCAGTCCAAAAGGTTTTCTATTTTGGTTTTGCTCTCTT[C>T]CAGCTGCTTCACTGCTGCTACCTGGGAAGGGAAAGTTCACAGGAGGAATTCAGAACGTGG-3'
Protein context (NP_001361665.1, residues 3974-3994): TEKVAAVKQL[Glu3984Lys]ESKTKIENLL

ClinVar aggregate classification (germline): Uncertain significance (1 of 4 stars; one submission).

Conditions:
Epidermolysis bullosa simplex 3, localized or generalized intermediate, with BP230 deficiency (EBS3). Also called: Epidermolysis bullosa simplex, autosomal recessive 2; Epidermolysis bullosa simplex due to BP230 deficiency. Identifiers: Orphanet 412181, MedGen C3809470, MONDO:0014180, OMIM 615425.
Hereditary sensory and autonomic neuropathy type 6. Also called: Neuropathy, hereditary sensory and autonomic, type VI; HSAN VI. Identifiers: Orphanet 314381, MedGen C3539003, MONDO:0013839, OMIM 614653.

Allele frequency attached by ClinVar (database versions not stated): gnomAD 0.00002 and 0.00003; TOPMed 0.00002.
gnomAD v4.1: 35 of 1,600,038 alleles (0.0022%); highest among the groups gnomAD compares: South Asian, 0.015%; no homozygotes.

Submission:

Labcorp Genetics (formerly Invitae), Labcorp
Classification: Uncertain significance for Epidermolysis bullosa simplex 3, localized or generalized intermediate, with BP230 deficiency; Hereditary sensory and autonomic neuropathy type 6. Last evaluated: 2019-12-19. Review status: criteria provided, single submitter. Criteria: Invitae Variant Classification Sherloc (09022015). Collection method: clinical testing. Allele origin: germline.
Comment: In summary, the available evidence is currently insufficient to determine the role of this variant in disease. Therefore, it has been classified as a Variant of Uncertain Significance. Algorithms developed to predict the effect of missense changes on protein structure and function are either unavailable or do not agree on the potential impact of this missense change (SIFT: "Tolerated"; PolyPhen-2: "Not Available"; Align-GVGD: "Class CO"). This variant has not been reported in the literature in individuals with DST-related conditions. This variant is present in population databases (rs753208447, ExAC 0.02%). This sequence change replaces glutamic acid with lysine at codon 1361 of the DST protein (p.Glu1361Lys). The glutamic acid residue is moderately conserved and there is a small physicochemical difference between the two amino acids. The DST gene has multiple clinically relevant transcripts. This variant occurs in alternate transcript NM_015548.4, and corresponds to NM_001723.5:c.*17532G>A in the primary transcript.